The following is an entry in ClinVar:

ClinVar aggregate classification (germline): Likely benign (0 of 4 stars; one submission).

Conditions:
PLXNA3-related disorder. Also called: PLXNA3-related condition.

gnomAD v4.1: 8 of 1,207,012 alleles (0.00066%); highest among the groups gnomAD compares: African/African-American, 0.0017%; no homozygotes.

Submission:

PreventionGenetics, part of Exact Sciences
Classification: Likely benign for PLXNA3-related condition. Last evaluated: 2022-05-10. Review status: no assertion criteria provided. Collection method: clinical testing. Allele origin: germline.
Comment: This variant is classified as likely benign based on ACMG/AMP sequence variant interpretation guidelines (Richards et al. 2015 PMID: 25741868, with internal and published modifications).

NM_017514.5(PLXNA3):c.1065C>G (p.Ser355=)

Gene: PLXNA3 (plexin A3; plus strand). Cytogenetic location: Xq28.
Variant type: single nucleotide variant.
Coding change: c.1065C>G on transcript NM_017514.5 (MANE Select); coding-DNA position 1065, C replaced by G.
Protein change: p.Ser355=; no amino-acid change (serine 355 retained).
Molecular consequence: synonymous variant.
Genome position (GRCh38, 1-based): chrX:154,461,569, C>G. VCF-style: chrX-154461569-C-G. GRCh37 (hg19) VCF-style: chrX-153689909-C-G.
Identifiers: ClinVar variation 3353672 (VCV003353672.1).